The following is an entry in ClinVar:

NM_000059.4(BRCA2):c.9185A>G (p.Asp3062Gly)

Gene: BRCA2 (BRCA2 DNA repair associated; plus strand). Cytogenetic location: 13q13.1.
Variant type: single nucleotide variant.
Coding change: c.9185A>G on transcript NM_000059.4 (MANE Select); coding-DNA position 9185, A replaced by G.
Protein change: p.Asp3062Gly; replaces aspartic acid 3062 with glycine.
Molecular consequence: missense variant.
Genome position (GRCh38, 1-based): chr13:32,380,074, A>G. VCF-style: chr13-32380074-A-G. GRCh37 (hg19) VCF-style: chr13-32954211-A-G.
Other names: c.9089A>G, p.Asp3030Gly (NM_001406719.1); c.9134A>G, p.Asp3045Gly (NM_001406720.1); c.4253A>G, p.Asp1418Gly (NM_001406721.1); c.2768A>G, p.Asp923Gly (NM_001406722.1); short protein forms D3062G, D1418G, D3030G, D3045G, D923G.
Identifiers: ClinVar variation 1766091 (VCV001766091.2), dbSNP rs2137625159, ClinGen allele CA387758104.

ClinVar aggregate classification (germline): Uncertain significance (1 of 4 stars; one submission).

Conditions:
Hereditary cancer-predisposing syndrome. Also called: Neoplastic Syndromes, Hereditary; Tumor predisposition; Hereditary Cancer Syndrome; Hereditary neoplastic syndrome. Identifiers: Orphanet 140162, MedGen C0027672, MeSH D009386, MONDO:0015356.

Submission:

Ambry Genetics
Classification: Uncertain significance for Hereditary cancer-predisposing syndrome. Last evaluated: 2022-05-31. Review status: criteria provided, single submitter. Criteria: Ambry Variant Classification Scheme 2023. Collection method: clinical testing. Allele origin: germline.
Comment: The p.D3062G variant (also known as c.9185A>G), located in coding exon 23 of the BRCA2 gene, results from an A to G substitution at nucleotide position 9185. The aspartic acid at codon 3062 is replaced by glycine, an amino acid with similar properties. This amino acid position is conserved. In addition, the in silico prediction for this alteration is inconclusive. Since supporting evidence is limited at this time, the clinical significance of this alteration remains unclear.